The following is an entry in ClinVar:

NM_198904.4(GABRG2):c.416G>A (p.Ser139Asn)

Gene: GABRG2 (gamma-aminobutyric acid type A receptor subunit gamma2; plus strand). Cytogenetic location: 5q34.
Variant type: single nucleotide variant.
Coding change: c.416G>A on transcript NM_198904.4 (MANE Select); coding-DNA position 416, G replaced by A.
Protein change: p.Ser139Asn; replaces serine 139 with asparagine.
Molecular consequence: missense variant. On other transcripts: 5 prime UTR variant (2).
Genome position (GRCh38, 1-based): chr5:162,097,726, G>A. VCF-style: chr5-162097726-G-A. GRCh37 (hg19) VCF-style: chr5-161524732-G-A.
Other names: c.416G>A, p.Ser139Asn (NM_000816.3, NM_001375340.1, NM_001375341.1 and 4 more transcripts); c.407G>A, p.Ser136Asn (NM_001375339.1); c.350G>A, p.Ser117Asn (NM_001375345.1, NM_001375346.1); c.329G>A, p.Ser110Asn (NM_001375347.1); c.-5G>A (NM_001375348.1, NM_001375350.1); c.131G>A, p.Ser44Asn (NM_001375349.1); short protein forms S110N, S117N, S136N, S139N, S44N.
Identifiers: ClinVar variation 1679139 (VCV001679139.4), dbSNP rs2113325887, ClinGen allele CA362184061.

ClinVar aggregate classification (germline): Uncertain significance (1 of 4 stars; one submission).

Conditions:
Developmental and epileptic encephalopathy, 74. Also called: EPILEPTIC ENCEPHALOPATHY, EARLY INFANTILE, 74. Identifiers: MedGen C5193074, MONDO:0032725, OMIM 618396.

Submission:

Institute of Human Genetics, University of Leipzig Medical Center
Classification: Uncertain significance for Developmental and epileptic encephalopathy, 74. Last evaluated: 2023-09-04. Review status: criteria provided, single submitter. Criteria: ACMG Guidelines, 2015. Collection method: clinical testing. Allele origin: de novo. Inheritance: Autosomal dominant inheritance. Affected: yes.
Comment: Criteria applied: PS2_SUP,PM2_SUP